The following is an entry in ClinVar:

ClinVar aggregate classification (germline): Pathogenic/Likely pathogenic. Review status: criteria provided, multiple submitters, no conflicts (2 of 4 stars). 4 submissions from 4 submitters: Pathogenic (3); Likely pathogenic (1). Last evaluated 2025-02-19.

Conditions:
GJA3-related disorders.
Cataract 14 multiple types. Also called: CATARACT 14, COPPOCK-LIKE; CATARACT 14, ZONULAR PULVERULENT; CATARACT 14, NUCLEAR PULVERULENT; CATARACT 14, NUCLEAR PULVERULENT AND POSTERIOR POLAR; CATARACT 14, NUCLEAR CORALLIFORM; CATARACT 14, EMBRYONAL NUCLEAR. Identifiers: Orphanet 91492, MedGen C1866078, MONDO:0011162, OMIM 601885.

Allele frequency attached by ClinVar (database versions not stated): gnomAD exomes below 0.00001.
gnomAD v4.1: 4 of 1,611,234 alleles (0.00025%); highest among the groups gnomAD compares: Non-Finnish European, 0.00034%; no homozygotes.

Submissions (4):

GeneDx
Classification: Pathogenic. Last evaluated: 2025-02-19. Review status: criteria provided, single submitter. Criteria: GeneDx Variant Classification Process June 2021. Collection method: clinical testing. Allele origin: germline. Affected: yes.
Comment: Not observed at significant frequency in large population cohorts (gnomAD); In silico analysis supports that this missense variant has a deleterious effect on protein structure/function; This variant is associated with the following publications: (PMID: 25635993, 21897748, 21552498, 24772942, 35008666, 32143568, 22312188, 37680296, Ranjbarrad2022[CaseReport], 36729443, 37337769)

Labcorp Genetics (formerly Invitae), Labcorp
Classification: Pathogenic for Cataract 14 multiple types. Last evaluated: 2025-02-06. Review status: criteria provided, single submitter. Criteria: Invitae Variant Classification Sherloc (09022015). Collection method: clinical testing. Allele origin: germline.
Comment: This sequence change replaces aspartic acid, which is acidic and polar, with asparagine, which is neutral and polar, at codon 47 of the GJA3 protein (p.Asp47Asn). This variant is not present in population databases (gnomAD no frequency). This missense change has been observed in individuals with autosomal dominant congenital cataracts (PMID: 21552498, 24772942). It has also been observed to segregate with disease in related individuals. ClinVar contains an entry for this variant (Variation ID: 3253681). Invitae Evidence Modeling of protein sequence and biophysical properties (such as structural, functional, and spatial information, amino acid conservation, physicochemical variation, residue mobility, and thermodynamic stability) indicates that this missense variant is expected to disrupt GJA3 protein function with a positive predictive value of 95%. For these reasons, this variant has been classified as Pathogenic.

Blueprint Genetics
Classification: Pathogenic for GJA3-related disorders. Last evaluated: 2023-08-30. Review status: criteria provided, single submitter. Criteria: ACMG Guidelines, 2015. Collection method: clinical testing. Allele origin: germline. Affected: yes. Observed: 5 variant alleles.

Dept. Genetics and Cancer, Menzies Institute for Medical Research, University of Tasmania
Classification: Likely pathogenic for Cataract 14 multiple types. Last evaluated: 2023-01-21. Review status: criteria provided, single submitter. Criteria: ACMG Guidelines, 2015. Collection method: curation. Allele origin: germline. Affected: yes.
Comment: Variant identified and curated during a GJA3 specific review of the literature in relation to pediatric or congenital cataract. ACMG-AMP criteria applied: PP1(Strong), PM1, PP1(Moderate), PS4(Supporting), PM2(Supporting) PP3. Original variant report: PMID:21552498;24772942. The cataract phenotype reported for this variant is: Nuclear. Gene review and curation guidelines are outlined in: DOI 10.1080/17469899.2023.2160320

Literature cited by the submitters: PubMed 21552498 (cited by Labcorp Genetics (formerly Invitae), Labcorp and Dept. Genetics and Cancer, Menzies Institute for Medical Research, University of Tasmania); PubMed 24772942 (cited by Labcorp Genetics (formerly Invitae), Labcorp and Dept. Genetics and Cancer, Menzies Institute for Medical Research, University of Tasmania).

NM_021954.4(GJA3):c.139G>A (p.Asp47Asn)

Gene: GJA3 (gap junction protein alpha 3; minus strand). Cytogenetic location: 13q12.11.
Variant type: single nucleotide variant.
Coding change: c.139G>A on transcript NM_021954.4 (MANE Select); coding-DNA position 139, G replaced by A.
Protein change: p.Asp47Asn; replaces aspartic acid 47 with asparagine.
Molecular consequence: missense variant.
Genome position (GRCh38, 1-based): chr13:20,143,150, C>T on the plus strand (G>A on the coding strand, the complement: GJA3 is on the minus strand). VCF-style: chr13-20143150-C-T. GRCh37 (hg19) VCF-style: chr13-20717289-C-T.
Other names: c.139G>A (NM_021954.3); short protein forms D47N.
Identifiers: ClinVar variation 3253681 (VCV003253681.4), dbSNP rs1566515377.